The following is an entry in ClinVar:

ClinVar aggregate classification (germline): Likely pathogenic (1 of 4 stars; one submission).

Conditions:
Dilated cardiomyopathy 1G (CMD1G). Identifiers: Orphanet 154, MedGen C1858763, MONDO:0011400, OMIM 604145.
Autosomal recessive limb-girdle muscular dystrophy type 2J (LGMDR10). Also called: Limb-girdle muscular dystrophy, type 2J; MUSCULAR DYSTROPHY, LIMB-GIRDLE, AUTOSOMAL RECESSIVE 10. Identifiers: Orphanet 140922, MedGen C1837342, MONDO:0012127, OMIM 608807.

Submission:

Labcorp Genetics (formerly Invitae), Labcorp
Classification: Likely pathogenic for Dilated cardiomyopathy 1G; Autosomal recessive limb-girdle muscular dystrophy type 2J. Last evaluated: 2024-10-18. Review status: criteria provided, single submitter. Criteria: Invitae Variant Classification Sherloc (09022015). Collection method: clinical testing. Allele origin: germline.
Comment: This sequence change affects an acceptor splice site in intron 165 of the TTN gene. It is expected to disrupt RNA splicing and likely results in a truncated or disrupted TTN protein. This variant is not present in population databases (gnomAD no frequency). This variant has not been reported in the literature in individuals affected with TTN-related conditions. ClinVar contains an entry for this variant (Variation ID: 1982651). Algorithms developed to predict the effect of sequence changes on RNA splicing suggest that this variant may disrupt the consensus splice site. This variant is located in the I band of TTN (PMID: 25589632). Truncating variants in this region have been reported in individuals affected with autosomal recessive centronuclear myopathy (PMID: 23975875, internal data). Truncating variants in this region have also been identified in individuals affected with autosomal dominant dilated cardiomyopathy and/or cardio-related conditions (PMID: 27869827, 32964742, internal data). In summary, the currently available evidence indicates that the variant is pathogenic, but additional data are needed to prove that conclusively. Therefore, this variant has been classified as Likely Pathogenic.

Literature cited by the submitters: PubMed 25589632; PubMed 23975875; PubMed 27869827; PubMed 32964742.

NM_001267550.2(TTN):c.36044-2A>C

Gene: TTN (titin; minus strand). Cytogenetic location: 2q31.2.
Variant type: single nucleotide variant.
Coding change: c.36044-2A>C on transcript NM_001267550.2 (MANE Select); the canonical splice acceptor site of the intron before coding-DNA position 36044, A replaced by C.
Molecular consequence: splice acceptor variant. On other transcripts: intron variant (5).
Genome position (GRCh38, 1-based): chr2:178,664,928, T>G on the plus strand (A>C on the coding strand, the complement: TTN is on the minus strand). VCF-style: chr2-178664928-T-G. GRCh37 (hg19) VCF-style: chr2-179529655-T-G.
Other names: c.13283-22611A>C (NM_003319.4); c.13859-22611A>C (NM_133437.4); c.13658-22611A>C (NM_133432.3); c.31484-1873A>C (NM_133378.4); c.34265-1873A>C (NM_001256850.1).
Identifiers: ClinVar variation 1982651 (VCV001982651.4), dbSNP rs939633955, ClinGen allele CA60975024.